The following is an entry in ClinVar:

ClinVar aggregate classification (germline): Uncertain significance (1 of 4 stars; one submission).

Conditions:
Fanconi anemia (FA). Also called: Fanconi's anemia. Identifiers: Orphanet 84, MedGen C0015625, MeSH D005199, MONDO:0019391.

Submission:

Labcorp Genetics (formerly Invitae), Labcorp
Classification: Uncertain significance for Fanconi anemia. Last evaluated: 2025-01-20. Review status: criteria provided, single submitter. Criteria: Invitae Variant Classification Sherloc (09022015). Collection method: clinical testing. Allele origin: germline.
Comment: This sequence change replaces aspartic acid, which is acidic and polar, with histidine, which is basic and polar, at codon 1061 of the FANCI protein (p.Asp1061His). This variant is not present in population databases (gnomAD no frequency). This variant has not been reported in the literature in individuals affected with FANCI-related conditions. Invitae Evidence Modeling of protein sequence and biophysical properties (such as structural, functional, and spatial information, amino acid conservation, physicochemical variation, residue mobility, and thermodynamic stability) indicates that this missense variant is expected to disrupt FANCI protein function with a positive predictive value of 80%. In summary, the available evidence is currently insufficient to determine the role of this variant in disease. Therefore, it has been classified as a Variant of Uncertain Significance.

NM_001113378.2(FANCI):c.3181G>C (p.Asp1061His)

Gene: FANCI (FA complementation group I; plus strand). Cytogenetic location: 15q26.1.
Variant type: single nucleotide variant.
Coding change: c.3181G>C on transcript NM_001113378.2 (MANE Select); coding-DNA position 3181, G replaced by C.
Protein change: p.Asp1061His; replaces aspartic acid 1061 with histidine.
Molecular consequence: missense variant.
Genome position (GRCh38, 1-based): chr15:89,305,237, G>C. VCF-style: chr15-89305237-G-C. GRCh37 (hg19) VCF-style: chr15-89848468-G-C.
Other names: c.2902G>C, p.Asp968His (NM_001376910.1); c.3181G>C, p.Asp1061His (NM_001376911.1); c.3001G>C, p.Asp1001His (NM_018193.3); short protein forms D1001H, D1061H, D968H.
Identifiers: ClinVar variation 3661585 (VCV003661585.2).
Genomic context (GRCh38, chr15:89,305,237, plus strand): 5'-AGTCCTGTCATTCTGCTGCGTGACTTGTCCCAGGATATCCACGGGCATCTGGGAGATATA[G>C]ACCAGGTACTATAATGAGCCTTCAGTACAATACCCTGTGTGGGGATGGGGGTCAAGGGAA-3'
Protein context (NP_001106849.1, residues 1051-1071): QDIHGHLGDI[Asp1061His]QDVEVEKTNH